The following is an entry in ClinVar:

ClinVar aggregate classification (germline): Uncertain significance. Review status: criteria provided, multiple submitters, no conflicts (2 of 4 stars). 4 submissions from 4 submitters: Uncertain significance (4). Last evaluated 2025-05-21.

Conditions:
Epidermolysis bullosa dystrophica. Also called: Dystrophic epidermolysis bullosa, Hallopeau-Siemens type (formerly); Dystrophic epidermolysis bullosa. Identifiers: Orphanet 303, MedGen C0079294, MONDO:0006543.
Inborn genetic diseases. Identifiers: MedGen C0950123, MeSH D030342.

Allele frequency attached by ClinVar (database versions not stated): ExAC 0.00001; gnomAD 0.00002; TOPMed 0.00005.
gnomAD v4.1: 7 of 1,610,122 alleles (0.00043%); highest among the groups gnomAD compares: African/African-American, 0.004%; no homozygotes.

Submissions (4):

Ambry Genetics
Classification: Uncertain significance for Inborn genetic diseases. Last evaluated: 2025-05-21. Review status: criteria provided, single submitter. Criteria: Ambry Variant Classification Scheme 2023. Collection method: clinical testing. Allele origin: germline.

Women's Health and Genetics/Laboratory Corporation of America, LabCorp
Classification: Uncertain significance. Last evaluated: 2025-01-29. Review status: criteria provided, single submitter. Criteria: LabCorp Variant Classification Summary - May 2015. Collection method: clinical testing. Allele origin: germline.

Labcorp Genetics (formerly Invitae), Labcorp
Classification: Uncertain significance. Last evaluated: 2022-01-12. Review status: criteria provided, single submitter. Criteria: Invitae Variant Classification Sherloc (09022015). Collection method: clinical testing. Allele origin: germline.
Comment: This sequence change replaces alanine, which is neutral and non-polar, with serine, which is neutral and polar, at codon 866 of the COL7A1 protein (p.Ala866Ser). The frequency data for this variant in the population databases is considered unreliable, as metrics indicate poor data quality at this position in the gnomAD database. This variant has not been reported in the literature in individuals affected with COL7A1-related conditions. ClinVar contains an entry for this variant (Variation ID: 900944). Advanced modeling of protein sequence and biophysical properties (such as structural, functional, and spatial information, amino acid conservation, physicochemical variation, residue mobility, and thermodynamic stability) performed at Invitae indicates that this missense variant is not expected to disrupt COL7A1 protein function. In summary, the available evidence is currently insufficient to determine the role of this variant in disease. Therefore, it has been classified as a Variant of Uncertain Significance.

Illumina Laboratory Services, Illumina
Classification: Uncertain significance for Dystrophic epidermolysis bullosa. Last evaluated: 2018-01-13. Review status: criteria provided, single submitter. Criteria: ICSL Variant Classification Criteria 13 December 2019. Collection method: clinical testing. Allele origin: germline.

NM_000094.4(COL7A1):c.2596G>T (p.Ala866Ser)

Gene: COL7A1 (collagen type VII alpha 1 chain; minus strand). Cytogenetic location: 3p21.31.
Variant type: single nucleotide variant.
Coding change: c.2596G>T on transcript NM_000094.4 (MANE Select); coding-DNA position 2596, G replaced by T.
Protein change: p.Ala866Ser; replaces alanine 866 with serine.
Molecular consequence: missense variant.
Genome position (GRCh38, 1-based): chr3:48,588,396, C>A on the plus strand (G>T on the coding strand, the complement: COL7A1 is on the minus strand). VCF-style: chr3-48588396-C-A. GRCh37 (hg19) VCF-style: chr3-48625829-C-A.
Other names: short protein forms A866S.
Identifiers: ClinVar variation 900944 (VCV000900944.8), dbSNP rs779814851, ClinGen allele CA2380818.